The following is an entry in ClinVar:

NM_004991.4(MECOM):c.2276C>T (p.Ser759Phe)

Gene: MECOM (MDS1 and EVI1 complex locus; minus strand). Cytogenetic location: 3q26.2.
Variant type: single nucleotide variant.
Coding change: c.2276C>T on transcript NM_004991.4 (MANE Select); coding-DNA position 2276, C replaced by T.
Protein change: p.Ser759Phe; replaces serine 759 with phenylalanine.
Molecular consequence: missense variant.
Genome position (GRCh38, 1-based): chr3:169,115,596, G>A on the plus strand (C>T on the coding strand, the complement: MECOM is on the minus strand). VCF-style: chr3-169115596-G-A. GRCh37 (hg19) VCF-style: chr3-168833384-G-A.
Other names: c.1907C>T, p.Ser636Phe (NM_001105077.4); c.1712C>T, p.Ser571Phe (NM_001105078.4, NM_001164000.2, NM_001205194.2 and 4 more transcripts); c.1715C>T, p.Ser572Phe (NM_001163999.2, NM_001366467.2, NM_001366468.2 and 1 more transcripts); c.2276C>T, p.Ser759Phe (NM_001366466.2); c.1304C>T, p.Ser435Phe (NM_001366473.2); c.740C>T, p.Ser247Phe (NM_001366474.2); short protein forms S572F, S247F, S571F, S759F, S636F, S435F.
Identifiers: ClinVar variation 3871703 (VCV003871703.1).

ClinVar aggregate classification (germline): Uncertain significance (1 of 4 stars; one submission).

Conditions:
Inborn genetic diseases. Identifiers: MedGen C0950123, MeSH D030342.

gnomAD v4.1: 2 of 1,614,140 alleles (0.00012%); highest among the groups gnomAD compares: African/African-American, 0.0027%; no homozygotes.

Submission:

Ambry Genetics
Classification: Uncertain significance for Inborn genetic diseases. Last evaluated: 2025-01-13. Review status: criteria provided, single submitter. Criteria: Ambry Variant Classification Scheme 2023. Collection method: clinical testing. Allele origin: germline.
Comment: The p.S759F variant (also known as c.2276C>T), located in coding exon 8 of the MECOM gene, results from a C to T substitution at nucleotide position 2276. The serine at codon 759 is replaced by phenylalanine, an amino acid with highly dissimilar properties. This amino acid position is conserved. In addition, this alteration is predicted to be tolerated by in silico analysis. Based on the available evidence, the clinical significance of this variant remains unclear.